The following is an entry in ClinVar:

NM_001177316.2(SLC34A3):c.1361A>G (p.Asn454Ser)

Gene: SLC34A3 (solute carrier family 34 member 3; plus strand). Cytogenetic location: 9q34.3.
Variant type: single nucleotide variant.
Coding change: c.1361A>G on transcript NM_001177316.2 (MANE Select); coding-DNA position 1361, A replaced by G.
Protein change: p.Asn454Ser; replaces asparagine 454 with serine.
Molecular consequence: missense variant.
Genome position (GRCh38, 1-based): chr9:137,235,977, A>G. VCF-style: chr9-137235977-A-G. GRCh37 (hg19) VCF-style: chr9-140130429-A-G.
Other names: c.1361A>G, p.Asn454Ser (NM_001177317.2, NM_080877.3); short protein forms N454S.
Identifiers: ClinVar variation 1917898 (VCV001917898.5), dbSNP rs1836572119, ClinGen allele CA375740156.

ClinVar aggregate classification (germline): Uncertain significance (1 of 4 stars; one submission).

Submission:

Labcorp Genetics (formerly Invitae), Labcorp
Classification: Uncertain significance. Last evaluated: 2022-03-09. Review status: criteria provided, single submitter. Criteria: Invitae Variant Classification Sherloc (09022015). Collection method: clinical testing. Allele origin: germline.
Comment: In summary, the available evidence is currently insufficient to determine the role of this variant in disease. Therefore, it has been classified as a Variant of Uncertain Significance. Algorithms developed to predict the effect of sequence changes on RNA splicing suggest that this variant may create or strengthen a splice site. Algorithms developed to predict the effect of missense changes on protein structure and function (SIFT, PolyPhen-2, Align-GVGD) all suggest that this variant is likely to be disruptive. This missense change has been observed in individual(s) with distal renal tubular acidosis (PMID: 31672324). This variant is not present in population databases (gnomAD no frequency). This sequence change replaces asparagine, which is neutral and polar, with serine, which is neutral and polar, at codon 454 of the SLC34A3 protein (p.Asn454Ser).

Literature cited by the submitters: PubMed 31672324.